The following is an entry in ClinVar:

ClinVar aggregate classification (germline): Pathogenic (3 of 4 stars; one submission).

Conditions:
Breast-ovarian cancer, familial, susceptibility to, 1 (BROVCA1). Also called: BRCA1 Hereditary Breast and Ovarian Cancer; OVARIAN CANCER, SUSCEPTIBILITY TO. Identifiers: Orphanet 145, MedGen C2676676, MONDO:0011450, OMIM 604370. Disease mechanism: loss of function.

Submission:

Evidence-based Network for the Interpretation of Germline Mutant Alleles (ENIGMA)
Classification: Pathogenic for Breast-ovarian cancer, familial, susceptibility to, 1. Last evaluated: 2017-12-15. Review status: reviewed by expert panel. Criteria: ENIGMA BRCA1/2 Classification Criteria (2017-06-29). Collection method: curation. Allele origin: germline. Study: ENIGMA.
Comment: Variant allele predicted to encode a truncated non-functional protein.

NM_007294.4(BRCA1):c.5210_5211insC (p.Arg1737fs)

Gene: BRCA1 (BRCA1 DNA repair associated; minus strand). Cytogenetic location: 17q21.31.
Variant type: Insertion.
Coding change: c.5210_5211insC on transcript NM_007294.4 (MANE Select); coding-DNA positions 5210 to 5211, C inserted.
Protein change: p.Arg1737fs; shifts the reading frame from arginine 1737.
Molecular consequence: frameshift variant. On other transcripts: non-coding transcript variant (1).
Genome position: GRCh38 VCF-style: chr17-43057118-T-TG. GRCh37 (hg19) VCF-style: chr17-41209135-T-TG.
Other names: c.4997_4998insC, p.Arg1666Serfs (NM_001407571.1, NM_001407894.1, NM_001407895.1 and 12 more transcripts); c.5276_5277insC, p.Arg1759Serfs (NM_001407581.1, NM_001407582.1); c.5273_5274insC, p.Arg1758Serfs (NM_001407583.1, NM_001407585.1, NM_001407587.1); c.5270_5271insC, p.Arg1757Serfs (NM_001407590.1, NM_001407591.1); c.5210_5211insC, p.Arg1737Serfs (NM_001407593.1, NM_001407594.1, NM_001407596.1 and 7 more transcripts); c.5207_5208insC, p.Arg1736Serfs (NM_001407610.1, NM_001407611.1, NM_001407612.1 and 17 more transcripts); c.5204_5205insC, p.Arg1735Serfs (NM_001407627.1, NM_001407628.1, NM_001407629.1 and 14 more transcripts); c.5201_5202insC, p.Arg1734Serfs (NM_001407644.1, NM_001407645.1); and 75 more; short protein forms R633fs, R1690fs, R1737fs, R1758fs.
Identifiers: ClinVar variation 548204 (VCV000548204.2), dbSNP rs1555576964, ClinGen allele CA658824715.
Genomic context (GRCh38, chr17:43,057,118, plus strand): 5'-GTCCTGGGATTCTCTTGCTCGCTTTGGACCTTGGTGGTTTCTTCCATTGACCACATCTCC[T>TG]CTGACTTCAAAATCATGCTGAAAGAAACCAAACACAACCCATCAGGATAAGAGAAAGAGA-3'